The following is an entry in ClinVar:

NM_001205293.3(CACNA1E):c.6632C>T (p.Ser2211Phe)

Gene: CACNA1E (calcium voltage-gated channel subunit alpha1 E; plus strand). Cytogenetic location: 1q25.3.
Variant type: single nucleotide variant.
Coding change: c.6632C>T on transcript NM_001205293.3 (MANE Select); coding-DNA position 6632, C replaced by T.
Protein change: p.Ser2211Phe; replaces serine 2211 with phenylalanine.
Molecular consequence: missense variant.
Genome position (GRCh38, 1-based): chr1:181,798,524, C>T. VCF-style: chr1-181798524-C-T. GRCh37 (hg19) VCF-style: chr1-181767660-C-T.
Other names: c.6503C>T, p.Ser2168Phe (NM_000721.4); c.6446C>T, p.Ser2149Phe (NM_001205294.2); short protein forms S2149F, S2211F, S2168F.
Identifiers: ClinVar variation 1365655 (VCV001365655.6), dbSNP rs2102911581, ClinGen allele CA343845186.
Genomic context (GRCh38, chr1:181,798,524, plus strand): 5'-AGGGCTCCCCGCTGACCTCCCAAGCTCTGGAGAGCAACAATGCTTGCCTGACCGAGTCTT[C>T]CAACTCTCCGCACCCCCAGCAGAGCCAACATGCCTCCCCACAGCGCTACATCTCCGAGCC-3'
Protein context (NP_001192222.1, residues 2201-2221): ESNNACLTES[Ser2211Phe]NSPHPQQSQH

ClinVar aggregate classification (germline): Uncertain significance (1 of 4 stars; one submission).

Submission:

Labcorp Genetics (formerly Invitae), Labcorp
Classification: Uncertain significance. Last evaluated: 2025-10-16. Review status: criteria provided, single submitter. Criteria: Invitae Variant Classification Sherloc (09022015). Collection method: clinical testing. Allele origin: germline.
Comment: This sequence change replaces serine, which is neutral and polar, with phenylalanine, which is neutral and non-polar, at codon 2168 of the CACNA1E protein (p.Ser2168Phe). This variant is not present in population databases (gnomAD no frequency). This variant has not been reported in the literature in individuals affected with CACNA1E-related conditions. ClinVar contains an entry for this variant (Variation ID: 1365655). Invitae Evidence Modeling of protein sequence and biophysical properties (such as structural, functional, and spatial information, amino acid conservation, physicochemical variation, residue mobility, and thermodynamic stability) indicates that this missense variant is not expected to disrupt CACNA1E protein function with a negative predictive value of 95%. In summary, the available evidence is currently insufficient to determine the role of this variant in disease. Therefore, it has been classified as a Variant of Uncertain Significance.